The following is an entry in ClinVar:

NM_001042646.3(TRAK1):c.2066+921C>T

Gene: TRAK1 (trafficking kinesin protein 1; plus strand). Cytogenetic location: 3p22.1.
Variant type: single nucleotide variant.
Coding change: c.2066+921C>T on transcript NM_001042646.3 (MANE Select); 921 bases into the intron after coding-DNA position 2066, C replaced by T.
Molecular consequence: intron variant. On other transcripts: synonymous variant (1).
Genome position (GRCh38, 1-based): chr3:42,220,517, C>T. VCF-style: chr3-42220517-C-T. GRCh37 (hg19) VCF-style: chr3-42262009-C-T.
Other names: c.2085C>T, p.Asp695= (NM_001349247.2); c.1691+921C>T (NM_001349245.1); c.2003+921C>T (NM_001349246.2); c.1844+921C>T (NM_001349249.1); c.1781+921C>T (NM_001349248.1); c.1892+921C>T (NM_001410741.1).
Identifiers: ClinVar variation 2653708 (VCV002653708.24), dbSNP rs1033456118, ClinGen allele CA74147847.

ClinVar aggregate classification (germline): Likely benign (1 of 4 stars; one submission).

Allele frequency attached by ClinVar (database versions not stated): gnomAD exomes 0.00002; TOPMed 0.00002; gnomAD 0.00004.
gnomAD v4.1: 21 of 985,272 alleles (0.0021%); highest among the groups gnomAD compares: South Asian, 0.052%; no homozygotes.

Submission:

CeGaT Center for Human Genetics Tuebingen
Classification: Likely benign. Last evaluated: 2022-04-01. Review status: criteria provided, single submitter. Criteria: CeGaT Center For Human Genetics Tuebingen Variant Classification Criteria Version 2. Collection method: clinical testing. Allele origin: germline. Affected: yes. Observed: 1 variant allele.
Comment: TRAK1: BP4, BP7